The following is an entry in ClinVar:

NM_017547.4(FOXRED1):c.811-1G>C

Gene: FOXRED1 (FAD dependent oxidoreductase domain containing 1; plus strand). Cytogenetic location: 11q24.2.
Variant type: single nucleotide variant.
Coding change: c.811-1G>C on transcript NM_017547.4 (MANE Select); the canonical splice acceptor site of the intron before coding-DNA position 811, G replaced by C.
Molecular consequence: splice acceptor variant.
Genome position (GRCh38, 1-based): chr11:126,276,058, G>C. VCF-style: chr11-126276058-G-C. GRCh37 (hg19) VCF-style: chr11-126145953-G-C.
Identifiers: ClinVar variation 2776961 (VCV002776961.3), dbSNP rs1951120467, ClinGen allele CA383230477.

ClinVar aggregate classification (germline): Likely pathogenic (1 of 4 stars; one submission).

Allele frequency attached by ClinVar (database versions not stated): TOPMed below 0.00001.

Submission:

Labcorp Genetics (formerly Invitae), Labcorp
Classification: Likely pathogenic. Last evaluated: 2023-08-18. Review status: criteria provided, single submitter. Criteria: Invitae Variant Classification Sherloc (09022015). Collection method: clinical testing. Allele origin: germline.
Comment: In summary, the currently available evidence indicates that the variant is pathogenic, but additional data are needed to prove that conclusively. Therefore, this variant has been classified as Likely Pathogenic. Algorithms developed to predict the effect of sequence changes on RNA splicing suggest that this variant may disrupt the consensus splice site. This variant has not been reported in the literature in individuals affected with FOXRED1-related conditions. This variant is not present in population databases (gnomAD no frequency). This sequence change affects an acceptor splice site in intron 7 of the FOXRED1 gene. It is expected to disrupt RNA splicing. Variants that disrupt the donor or acceptor splice site typically lead to a loss of protein function (PMID: 16199547), and loss-of-function variants in FOXRED1 are known to be pathogenic (PMID: 20818383, 20858599).

Literature cited by the submitters: PubMed 16199547; PubMed 20818383; PubMed 20858599.